The following is an entry in ClinVar:

ClinVar aggregate classification (germline): Uncertain significance (1 of 4 stars; one submission).

Allele frequency attached by ClinVar (database versions not stated): ExAC 0.00001; gnomAD 0.00001; gnomAD exomes 0.00001; TOPMed 0.00001.
gnomAD v4.1: 10 of 1,609,470 alleles (0.00062%); highest among the groups gnomAD compares: African/African-American, 0.0013%; no homozygotes.

Submission:

Labcorp Genetics (formerly Invitae), Labcorp
Classification: Uncertain significance. Last evaluated: 2024-12-24. Review status: criteria provided, single submitter. Criteria: Invitae Variant Classification Sherloc (09022015). Collection method: clinical testing. Allele origin: germline.
Comment: This sequence change replaces serine, which is neutral and polar, with phenylalanine, which is neutral and non-polar, at codon 97 of the KMT2A protein (p.Ser97Phe). This variant is present in population databases (rs782713492, gnomAD 0.02%). This variant has not been reported in the literature in individuals affected with KMT2A-related conditions. ClinVar contains an entry for this variant (Variation ID: 2108784). Invitae Evidence Modeling of protein sequence and biophysical properties (such as structural, functional, and spatial information, amino acid conservation, physicochemical variation, residue mobility, and thermodynamic stability) has been performed for this missense variant. However, the output from this modeling did not meet the statistical confidence thresholds required to predict the impact of this variant on KMT2A protein function. In summary, the available evidence is currently insufficient to determine the role of this variant in disease. Therefore, it has been classified as a Variant of Uncertain Significance.

NM_001197104.2(KMT2A):c.290C>T (p.Ser97Phe)

Gene: KMT2A (lysine methyltransferase 2A; plus strand). Cytogenetic location: 11q23.3.
Variant type: single nucleotide variant.
Coding change: c.290C>T on transcript NM_001197104.2 (MANE Select); coding-DNA position 290, C replaced by T.
Protein change: p.Ser97Phe; replaces serine 97 with phenylalanine.
Molecular consequence: missense variant.
Genome position (GRCh38, 1-based): chr11:118,436,802, C>T. VCF-style: chr11-118436802-C-T. GRCh37 (hg19) VCF-style: chr11-118307517-C-T.
Other names: c.290C>T, p.Ser97Phe (NM_001412597.1, NM_005933.4); short protein forms S97F.
Identifiers: ClinVar variation 2108784 (VCV002108784.4), dbSNP rs782713492, ClinGen allele CA6303226.